The following is an entry in ClinVar:

ClinVar aggregate classification (germline): Uncertain significance (1 of 4 stars; one submission).

Allele frequency attached by ClinVar (database versions not stated): TOPMed below 0.00001; ExAC 0.00001; gnomAD 0.00001.

Submission:

Labcorp Genetics (formerly Invitae), Labcorp
Classification: Uncertain significance. Last evaluated: 2025-03-24. Review status: criteria provided, single submitter. Criteria: Invitae Variant Classification Sherloc (09022015). Collection method: clinical testing. Allele origin: germline.
Comment: This sequence change replaces glutamine, which is neutral and polar, with arginine, which is basic and polar, at codon 549 of the SKIV2L protein (p.Gln549Arg). This variant is present in population databases (rs778573164, gnomAD 0.007%). This variant has not been reported in the literature in individuals affected with SKIV2L-related conditions. ClinVar contains an entry for this variant (Variation ID: 2042424). An algorithm developed to predict the effect of missense changes on protein structure and function (PolyPhen-2) suggests that this variant is likely to be tolerated. Algorithms developed to predict the effect of sequence changes on RNA splicing suggest that this variant may disrupt the consensus splice site. In summary, the available evidence is currently insufficient to determine the role of this variant in disease. Therefore, it has been classified as a Variant of Uncertain Significance.

NM_006929.5(SKIC2):c.1646A>G (p.Gln549Arg)

Gene: SKIC2 (SKI2 subunit of superkiller complex; plus strand). Cytogenetic location: 6p21.33.
Variant type: single nucleotide variant.
Coding change: c.1646A>G on transcript NM_006929.5 (MANE Select); coding-DNA position 1646, A replaced by G.
Protein change: p.Gln549Arg; replaces glutamine 549 with arginine.
Molecular consequence: missense variant.
Genome position (GRCh38, 1-based): chr6:31,963,732, A>G. VCF-style: chr6-31963732-A-G. GRCh37 (hg19) VCF-style: chr6-31931509-A-G.
Other names: short protein forms Q549R.
Identifiers: ClinVar variation 2042424 (VCV002042424.2), dbSNP rs778573164, ClinGen allele CA3729532.